The following is an entry in ClinVar:

NM_001365951.3(KIF1B):c.1876A>G (p.Met626Val)

Gene: KIF1B (kinesin family member 1B; plus strand). Cytogenetic location: 1p36.22.
Variant type: single nucleotide variant.
Coding change: c.1876A>G on transcript NM_001365951.3 (MANE Select); coding-DNA position 1876, A replaced by G.
Protein change: p.Met626Val; replaces methionine 626 with valine.
Molecular consequence: missense variant.
Genome position (GRCh38, 1-based): chr1:10,296,911, A>G. VCF-style: chr1-10296911-A-G. GRCh37 (hg19) VCF-style: chr1-10356969-A-G.
Other names: c.1876A>G, p.Met626Val (NM_001365952.1); c.1738A>G, p.Met580Val (NM_001365953.1, NM_015074.3, NM_183416.4); short protein forms M580V, M626V.
Identifiers: ClinVar variation 1347566 (VCV001347566.11), dbSNP rs1391371944, ClinGen allele CA338316557.

ClinVar aggregate classification (germline): Uncertain significance. Review status: criteria provided, multiple submitters, no conflicts (2 of 4 stars). 2 submissions from 2 submitters: Uncertain significance (2). Last evaluated 2025-07-01.

Conditions:
Charcot-Marie-Tooth disease type 2. Also called: Charcot-Marie-Tooth type 2. Identifiers: Orphanet 64746, MedGen C0270914, MONDO:0018993.

Allele frequency attached by ClinVar (database versions not stated): gnomAD exomes below 0.00001; TOPMed 0.00001.
gnomAD v4.1: 3 of 1,613,938 alleles (0.00019%); highest among the groups gnomAD compares: Admixed American, 0.0033%; no homozygotes.

Submissions (2):

Ambry Genetics
Classification: Uncertain significance. Last evaluated: 2025-07-01. Review status: criteria provided, single submitter. Criteria: Ambry Variant Classification Scheme 2023. Collection method: clinical testing. Allele origin: germline.
Comment: The p.M580V variant (also known as c.1738A>G), located in coding exon 18 of the KIF1B gene, results from an A to G substitution at nucleotide position 1738. The methionine at codon 580 is replaced by valine, an amino acid with highly similar properties. This amino acid position is conserved. In addition, this alteration is predicted to be deleterious by in silico analysis. Since supporting evidence is limited at this time, the clinical significance of this alteration remains unclear.

Labcorp Genetics (formerly Invitae), Labcorp
Classification: Uncertain significance for Charcot-Marie-Tooth disease type 2. Last evaluated: 2022-03-07. Review status: criteria provided, single submitter. Criteria: Invitae Variant Classification Sherloc (09022015). Collection method: clinical testing. Allele origin: germline.
Comment: In summary, the available evidence is currently insufficient to determine the role of this variant in disease. Therefore, it has been classified as a Variant of Uncertain Significance. Algorithms developed to predict the effect of sequence changes on RNA splicing suggest that this variant may create or strengthen a splice site. Algorithms developed to predict the effect of missense changes on protein structure and function are either unavailable or do not agree on the potential impact of this missense change (SIFT: "Tolerated"; PolyPhen-2: "Possibly Damaging"; Align-GVGD: "Class C0"). This variant has not been reported in the literature in individuals affected with KIF1B-related conditions. This variant is present in population databases (no rsID available, gnomAD 0.003%). This sequence change replaces methionine, which is neutral and non-polar, with valine, which is neutral and non-polar, at codon 580 of the KIF1B protein (p.Met580Val).